The following is an entry in ClinVar:

NM_001142800.2(EYS):c.8868del (p.Ala2957fs)

Genes: EYS (EGF-like photoreceptor maintenance factor; minus strand), PHF3 (PHD finger protein 3; plus strand). Cytogenetic location: 6q12.
Variant type: Deletion.
Coding change: c.8868del on transcript NM_001142800.2 (MANE Select); coding-DNA position 8868, one base deleted (T; older notation c.8868delT).
Protein change: p.Ala2957fs; shifts the reading frame from alanine 2957.
Molecular consequence: frameshift variant. On other transcripts: 3 prime UTR variant (5).
Genome position (GRCh38, 1-based): chr6:63,721,163, A deleted on the plus strand (T on the coding strand, the reverse complement: EYS is on the minus strand). VCF-style (leftmost placement, unchanged base first): chr6-63721162-CA-C. GRCh37 (hg19) VCF-style: chr6-64431058-CA-C.
Other names: c.8868delT (NM_001142800.2); c.*7455del (NM_001290259.2, NM_001370348.2, NM_001370349.2 and 2 more transcripts); c.8931del, p.Ala2978fs (NM_001292009.2); short protein forms A2957fs, A2978fs.
Identifiers: ClinVar variation 1075666 (VCV001075666.13), dbSNP rs2149624477, ClinGen allele CA2499218430.

ClinVar aggregate classification (germline): Pathogenic/Likely pathogenic. Review status: criteria provided, multiple submitters, no conflicts (2 of 4 stars). 4 submissions from 4 submitters: Pathogenic (3); Likely pathogenic (1). Last evaluated 2023-11-09.

Conditions:
EYS-related disorder. Also called: EYS-related condition.
Retinitis pigmentosa 25 (RP25). Identifiers: Orphanet 791, MedGen C1864446, MONDO:0011272, OMIM 602772.
Retinal dystrophy. Also called: Inherited retinal dystrophy. Identifiers: Orphanet 71862, MedGen C0854723, MeSH D058499, MONDO:0019118, HP:0000556.

Submissions (4):

Baylor Genetics
Classification: Pathogenic for Retinitis pigmentosa 25. Last evaluated: 2023-11-09. Review status: criteria provided, single submitter. Criteria: ACMG Guidelines, 2015. Collection method: clinical testing. Allele origin: unknown.

Dept Of Ophthalmology, Nagoya University
Classification: Likely pathogenic for Retinal dystrophy. Last evaluated: 2023-10-01. Review status: criteria provided, single submitter. Criteria: Submitter's publication. Collection method: research. Allele origin: germline. Affected: yes.

Blueprint Genetics
Classification: Pathogenic for EYS-related disorders. Last evaluated: 2023-09-24. Review status: criteria provided, single submitter. Criteria: ACMG Guidelines, 2015. Collection method: clinical testing. Allele origin: germline. Affected: yes. Observed: 1 variant allele.

Labcorp Genetics (formerly Invitae), Labcorp
Classification: Pathogenic. Last evaluated: 2022-12-12. Review status: criteria provided, single submitter. Criteria: Invitae Variant Classification Sherloc (09022015). Collection method: clinical testing. Allele origin: germline.
Comment: This sequence change creates a premature translational stop signal (p.Ala2957Glnfs*18) in the EYS gene. While this is not anticipated to result in nonsense mediated decay, it is expected to disrupt the last 188 amino acid(s) of the EYS protein. This variant is not present in population databases (gnomAD no frequency). This variant has not been reported in the literature in individuals affected with EYS-related conditions. ClinVar contains an entry for this variant (Variation ID: 1075666). This variant disrupts a region of the EYS protein in which other variant(s) (p.Val3096Leufs*28) have been determined to be pathogenic (PMID: 24474277, 26261414, 29550188). This suggests that this is a clinically significant region of the protein, and that variants that disrupt it are likely to be disease-causing. For these reasons, this variant has been classified as Pathogenic.

Literature cited by the submitters: PubMed 24474277 (cited by Labcorp Genetics (formerly Invitae), Labcorp); PubMed 26261414 (cited by Labcorp Genetics (formerly Invitae), Labcorp); PubMed 29550188 (cited by Labcorp Genetics (formerly Invitae), Labcorp).